The following is an entry in ClinVar:

ClinVar aggregate classification (germline): Uncertain significance. Review status: criteria provided, single submitter (1 of 4 stars). 2 submissions from 2 submitters: Uncertain significance (1). 1 of the submissions does not count toward it. Last evaluated 2023-12-22.

Conditions:
GRN-related disorder. Also called: GRN-related disorders; GRN-related condition.
Neuronal ceroid lipofuscinosis 11. Also called: GRN-Related Neuronal Ceroid-Lipofuscinosis. Identifiers: Orphanet 314629, Orphanet 79262, MedGen C3539123, MONDO:0013866, OMIM 614706.
GRN-related frontotemporal lobar degeneration with Tdp43 inclusions (FTD2). Also called: DEMENTIA, HEREDITARY DYSPHASIC DISINHIBITION; FRONTOTEMPORAL LOBAR DEGENERATION WITH UBIQUITIN-POSITIVE INCLUSIONS; FTLD-TDP, GRN-RELATED; GRN Frontotemporal Dementia; FRONTOTEMPORAL DEMENTIA WITH TDP43 INCLUSIONS, GRN-RELATED. Identifiers: Orphanet 100070, Orphanet 282, MedGen C1843792, MONDO:0011842, OMIM 607485. Disease mechanism: loss of function.

Allele frequency attached by ClinVar (database versions not stated): ExAC 0.00001; TOPMed 0.00003; gnomAD 0.00006.

Submissions (2):

Labcorp Genetics (formerly Invitae), Labcorp
Classification: Uncertain significance for Neuronal ceroid lipofuscinosis 11; GRN-related frontotemporal lobar degeneration with Tdp43 inclusions. Last evaluated: 2023-12-22. Review status: criteria provided, single submitter. Criteria: Invitae Variant Classification Sherloc (09022015). Collection method: clinical testing. Allele origin: germline.
Comment: This sequence change falls in intron 3 of the GRN gene. It does not directly change the encoded amino acid sequence of the GRN protein. It affects a nucleotide within the consensus splice site. This variant is present in population databases (rs777474762, gnomAD 0.008%). This variant has not been reported in the literature in individuals affected with GRN-related conditions. ClinVar contains an entry for this variant (Variation ID: 2152416). Variants that disrupt the consensus splice site are a relatively common cause of aberrant splicing (PMID: 17576681, 9536098). Algorithms developed to predict the effect of sequence changes on RNA splicing suggest that this variant is not likely to affect RNA splicing. In summary, the available evidence is currently insufficient to determine the role of this variant in disease. Therefore, it has been classified as a Variant of Uncertain Significance.

PreventionGenetics, part of Exact Sciences
Classification: Likely benign for GRN-related condition. Last evaluated: 2023-10-02. Review status: no assertion criteria provided. Collection method: clinical testing. Allele origin: germline. Not counted in ClinVar's aggregate classification.
Comment: This variant is classified as likely benign based on ACMG/AMP sequence variant interpretation guidelines (Richards et al. 2015 PMID: 25741868, with internal and published modifications).

Literature cited by the submitters: PubMed 17576681 (cited by Labcorp Genetics (formerly Invitae), Labcorp); PubMed 9536098 (cited by Labcorp Genetics (formerly Invitae), Labcorp).

NM_002087.4(GRN):c.264+6C>T

Gene: GRN (granulin precursor; plus strand). Cytogenetic location: 17q21.31.
Variant type: single nucleotide variant.
Coding change: c.264+6C>T on transcript NM_002087.4 (MANE Select); 6 bases into the intron after coding-DNA position 264, C replaced by T.
Molecular consequence: intron variant.
Genome position (GRCh38, 1-based): chr17:44,349,557, C>T. VCF-style: chr17-44349557-C-T. GRCh37 (hg19) VCF-style: chr17-42426925-C-T.
Other names: c.264+6C>T (NM_002087.3).
Identifiers: ClinVar variation 2152416 (VCV002152416.6), dbSNP rs777474762, ClinGen allele CA8601799.